The following is an entry in ClinVar:

NM_005228.5(EGFR):c.2284-13T>C

Genes: EGFR (epidermal growth factor receptor; plus strand), EGFR-AS1 (EGFR antisense RNA 1; minus strand). Cytogenetic location: 7p11.2.
Variant type: single nucleotide variant.
Coding change: c.2284-13T>C on transcript NM_005228.5 (MANE Select); 13 bases into the intron before coding-DNA position 2284, T replaced by C.
Molecular consequence: intron variant. On other transcripts: non-coding transcript variant (1).
Genome position (GRCh38, 1-based): chr7:55,181,280, T>C. VCF-style: chr7-55181280-T-C. GRCh37 (hg19) VCF-style: chr7-55248973-T-C.
Other names: c.2149-13T>C (NM_001346899.2, NM_001346897.2); c.1483-13T>C (NM_001346941.2); c.2284-13T>C (NM_001346898.2); c.2125-13T>C (NM_001346900.2).
Identifiers: ClinVar variation 1530318 (VCV001530318.9), dbSNP rs1264905272, ClinGen allele CA455164982.
Genomic context (GRCh38, chr7:55,181,280, plus strand): 5'-TGGAAGGGGTCCATGTGCCCCTCCTTCTGGCCACCATGCGAAGCCACACTGACGTGCCTC[T>C]CCCTCCCTCCAGGAAGCCTACGTGATGGCCAGCGTGGACAACCCCCACGTGTGCCGCCTG-3'

ClinVar aggregate classification (germline): Benign/Likely benign. Review status: criteria provided, multiple submitters, no conflicts (2 of 4 stars). 2 submissions from 2 submitters: Benign (1); Likely benign (1). Last evaluated 2026-01-11.

Conditions:
Lung cancer. Also called: Lung cancer, somatic; Malignant tumor of lung. Identifiers: MedGen C0242379, MONDO:0008903, OMIM 211980.
EGFR-related lung cancer (EGFR). Identifiers: MedGen CN130014.

Allele frequency attached by ClinVar (database versions not stated): gnomAD 0.00001; gnomAD exomes 0.00001; TOPMed 0.00001.
gnomAD v4.1: 9 of 1,613,810 alleles (0.00056%); highest among the groups gnomAD compares: Non-Finnish European, 0.00076%; no homozygotes.

Submissions (2):

Labcorp Genetics (formerly Invitae), Labcorp
Classification: Likely benign for EGFR-related lung cancer. Last evaluated: 2026-01-11. Review status: criteria provided, single submitter. Criteria: Invitae Variant Classification Sherloc (09022015). Collection method: clinical testing. Allele origin: germline.

Myriad Genetics, Inc.
Classification: Benign for Lung cancer. Last evaluated: 2024-10-16. Review status: criteria provided, single submitter. Criteria: Myriad Autosomal Dominant, Autosomal Recessive and X-Linked Classification Criteria (2023). Collection method: clinical testing. Allele origin: unknown.
Comment: This variant is considered benign. This variant is intronic and is not expected to impact mRNA splicing. This variant has been observed at a population frequency that is significantly greater than expected given the associated disease prevalence and penetrance.